The following is an entry in ClinVar:

ClinVar aggregate classification (germline): Pathogenic. Review status: criteria provided, multiple submitters, no conflicts (2 of 4 stars). 3 submissions from 3 submitters: Pathogenic (2). 1 of the submissions does not count toward it. Last evaluated 2025-07-09.

Conditions:
Epilepsy, familial focal, with variable foci 3 (FFEVF3). Identifiers: MedGen C4310708, MONDO:0014925, OMIM 617118.

Submissions (3):

Labcorp Genetics (formerly Invitae), Labcorp
Classification: Pathogenic for Epilepsy, familial focal, with variable foci 3. Last evaluated: 2025-07-09. Review status: criteria provided, single submitter. Criteria: Invitae Variant Classification Sherloc (09022015). Collection method: clinical testing. Allele origin: germline.
Comment: This sequence change creates a premature translational stop signal (p.Glu117Lysfs*5) in the NPRL3 gene. It is expected to result in an absent or disrupted protein product. Loss-of-function variants in NPRL3 are known to be pathogenic (PMID: 26285051, 26505888). This variant is not present in population databases (gnomAD no frequency). This premature translational stop signal has been observed in individual(s) with nonlesional generalized epilepsy (PMID: 28726809). ClinVar contains an entry for this variant (Variation ID: 861113). For these reasons, this variant has been classified as Pathogenic.

GeneDx
Classification: Pathogenic. Last evaluated: 2024-08-29. Review status: criteria provided, single submitter. Criteria: GeneDx Variant Classification Process June 2021. Collection method: clinical testing. Allele origin: germline. Affected: yes.
Comment: Frameshift variant predicted to result in protein truncation or nonsense mediated decay in a gene for which loss of function is a known mechanism of disease; Not observed at significant frequency in large population cohorts (gnomAD); This variant is associated with the following publications: (PMID: 31028937, 28726809, 34926809, 35136953)

OMIM
Classification: Pathogenic for EPILEPSY, FAMILIAL FOCAL, WITH VARIABLE FOCI 3. Last evaluated: 2023-03-02. Review status: no assertion criteria provided. Collection method: literature only. Allele origin: germline. Not counted in ClinVar's aggregate classification.

Literature cited by the submitters: PubMed 26285051 (cited by Labcorp Genetics (formerly Invitae), Labcorp); PubMed 26505888 (cited by Labcorp Genetics (formerly Invitae), Labcorp); PubMed 28726809 (cited by Labcorp Genetics (formerly Invitae), Labcorp); PubMed 35136953 (cited by OMIM).

NM_001077350.3(NPRL3):c.349del (p.Glu117fs)

Genes: HBA-LCR (alpha-globin locus control region; plus strand), NPRL3 (NPR3 like, GATOR1 complex subunit; minus strand). Cytogenetic location: 16p13.3.
Variant type: Deletion.
Coding change: c.349del on transcript NM_001077350.3 (MANE Select); coding-DNA position 349, one base deleted (G; older notation c.349delG).
Protein change: p.Glu117fs; shifts the reading frame from glutamic acid 117.
Molecular consequence: frameshift variant. On other transcripts: intron variant (3).
Genome position (GRCh38, 1-based): chr16:117,345, C deleted on the plus strand (G on the coding strand, the reverse complement: NPRL3 is on the minus strand); the first of 3 consecutive C bases (chr16:117,345-117,347); deleting any one gives the same sequence. VCF-style (leftmost placement, unchanged base first): chr16-117344-TC-T. GRCh37 (hg19) VCF-style: chr16-167343-TC-T.
Other names: c.115del, p.Glu39fs (NM_001243247.2); c.318+1781del (NM_001243248.2, NM_001243249.2); c.-144-4570del (NM_001039476.3); short protein forms E117fs, E39fs.
Identifiers: ClinVar variation 861113 (VCV000861113.12), dbSNP rs1900088045, ClinGen allele CA916083459.
Genomic context (GRCh38, chr16:117,344, plus strand): 5'-TTTATATAAACACTCACCCTCAGTGCAAACACCACATTAAAAAGAATCATAGTAGGTGCT[TC>T]CCTCTTCGGGGAAGGATCTGTTTTGGAGATCTGTAAAAGATGCATAATTCTAATTAATTG-3'